The following is an entry in ClinVar:

ClinVar aggregate classification (germline): Uncertain significance (1 of 4 stars; one submission).

Conditions:
Short-rib thoracic dysplasia 14 with polydactyly (SRTD14). Identifiers: Orphanet 397715, MedGen C4225286, MONDO:0014688, OMIM 616546.
Joubert syndrome 23 (JBTS23). Identifiers: Orphanet 475, MedGen C4084822, MONDO:0014664, OMIM 616490.

gnomAD v4.1: 2 of 1,613,292 alleles (0.00012%); highest among the groups gnomAD compares: South Asian, 0.0011%; no homozygotes.

Submission:

Labcorp Genetics (formerly Invitae), Labcorp
Classification: Uncertain significance for Joubert syndrome 23; Short-rib thoracic dysplasia 14 with polydactyly. Last evaluated: 2024-10-03. Review status: criteria provided, single submitter. Criteria: Invitae Variant Classification Sherloc (09022015). Collection method: clinical testing. Allele origin: germline.
Comment: This sequence change replaces serine, which is neutral and polar, with leucine, which is neutral and non-polar, at codon 790 of the KIAA0586 protein (p.Ser790Leu). This variant is not present in population databases (gnomAD no frequency). This variant has not been reported in the literature in individuals affected with KIAA0586-related conditions. Invitae Evidence Modeling of protein sequence and biophysical properties (such as structural, functional, and spatial information, amino acid conservation, physicochemical variation, residue mobility, and thermodynamic stability) indicates that this missense variant is expected to disrupt KIAA0586 protein function with a positive predictive value of 80%. In summary, the available evidence is currently insufficient to determine the role of this variant in disease. Therefore, it has been classified as a Variant of Uncertain Significance.

NM_001329943.3(KIAA0586):c.2210C>T (p.Ser737Leu)

Gene: KIAA0586 (KIAA0586; plus strand). Cytogenetic location: 14q23.1.
Variant type: single nucleotide variant.
Coding change: c.2210C>T on transcript NM_001329943.3 (MANE Select); coding-DNA position 2210, C replaced by T.
Protein change: p.Ser737Leu; replaces serine 737 with leucine.
Molecular consequence: missense variant.
Genome position (GRCh38, 1-based): chr14:58,465,985, C>T. VCF-style: chr14-58465985-C-T. GRCh37 (hg19) VCF-style: chr14-58932703-C-T.
Other names: c.2369C>T, p.Ser790Leu (NM_001244189.2); c.2165C>T, p.Ser722Leu (NM_001244190.2); c.1955C>T, p.Ser652Leu (NM_001244191.2, NM_001329945.2, NM_001364700.1 and 1 more transcripts); c.2078C>T, p.Ser693Leu (NM_001244192.2); c.1790C>T, p.Ser597Leu (NM_001244193.2); c.2210C>T, p.Ser737Leu (NM_001329944.2, NM_001329946.2, NM_001329947.2); c.1982C>T, p.Ser661Leu (NM_014749.5); short protein forms S597L, S652L, S661L, S693L, S722L, S737L, S790L.
Identifiers: ClinVar variation 3758296 (VCV003758296.2).